The following is an entry in ClinVar:

ClinVar aggregate classification (germline): Uncertain significance (1 of 4 stars; one submission).

Conditions:
Baller-Gerold syndrome (BGS). Also called: CRANIOSYNOSTOSIS WITH RADIAL DEFECTS. Identifiers: Orphanet 1225, MedGen C0265308, MONDO:0009039, OMIM 218600.

Allele frequency attached by ClinVar (database versions not stated): gnomAD exomes 0.00001.
gnomAD v4.1: 7 of 1,610,802 alleles (0.00043%); highest among the groups gnomAD compares: Non-Finnish European, 0.00059%; no homozygotes.

Submission:

Labcorp Genetics (formerly Invitae), Labcorp
Classification: Uncertain significance for Baller-Gerold syndrome. Last evaluated: 2018-12-25. Review status: criteria provided, single submitter. Criteria: Invitae Variant Classification Sherloc (09022015). Collection method: clinical testing. Allele origin: germline.
Comment: Algorithms developed to predict the effect of missense changes on protein structure and function are either unavailable or do not agree on the potential impact of this missense change (SIFT: "Tolerated"; PolyPhen-2: "Not Available"; Align-GVGD: "Class C0"). In summary, the available evidence is currently insufficient to determine the role of this variant in disease. Therefore, it has been classified as a Variant of Uncertain Significance. This variant has not been reported in the literature in individuals with RECQL4-related conditions. This variant is not present in population databases (ExAC no frequency). This sequence change replaces glycine with arginine at codon 733 of the RECQL4 protein (p.Gly733Arg). The glycine residue is weakly conserved and there is a moderate physicochemical difference between glycine and arginine.

NM_004260.4(RECQL4):c.2197G>A (p.Gly733Arg)

Gene: RECQL4 (RecQ like helicase 4; minus strand). Cytogenetic location: 8q24.3.
Variant type: single nucleotide variant.
Coding change: c.2197G>A on transcript NM_004260.4 (MANE Select); coding-DNA position 2197, G replaced by A.
Protein change: p.Gly733Arg; replaces glycine 733 with arginine.
Molecular consequence: missense variant.
Genome position (GRCh38, 1-based): chr8:144,513,574, C>T on the plus strand (G>A on the coding strand, the complement: RECQL4 is on the minus strand). VCF-style: chr8-144513574-C-T. GRCh37 (hg19) VCF-style: chr8-145738958-C-T.
Other names: short protein forms G733R.
Identifiers: ClinVar variation 649996 (VCV000649996.4), dbSNP rs1364066465, ClinGen allele CA372679564.